The following is an entry in ClinVar:

NM_002485.5(NBN):c.1042G>A (p.Val348Ile)

Gene: NBN (nibrin; minus strand). Cytogenetic location: 8q21.3.
Variant type: single nucleotide variant.
Coding change: c.1042G>A on transcript NM_002485.5 (MANE Select); coding-DNA position 1042, G replaced by A.
Protein change: p.Val348Ile; replaces valine 348 with isoleucine.
Molecular consequence: missense variant.
Genome position (GRCh38, 1-based): chr8:89,958,807, C>T on the plus strand (G>A on the coding strand, the complement: NBN is on the minus strand). VCF-style: chr8-89958807-C-T. GRCh37 (hg19) VCF-style: chr8-90971035-C-T.
Other names: c.796G>A, p.Val266Ile (NM_001024688.3); short protein forms V266I, V348I.
Identifiers: ClinVar variation 818308 (VCV000818308.15), dbSNP rs1586065979, ClinGen allele CA371656732.

ClinVar aggregate classification (germline): Uncertain significance. Review status: criteria provided, multiple submitters, no conflicts (2 of 4 stars). 3 submissions from 3 submitters: Uncertain significance (3). Last evaluated 2022-02-20.

Conditions:
Hereditary cancer-predisposing syndrome. Also called: Hereditary Cancer Syndrome; Neoplastic Syndromes, Hereditary; Hereditary neoplastic syndrome; Tumor predisposition. Identifiers: Orphanet 140162, MedGen C0027672, MeSH D009386, MONDO:0015356.
Microcephaly, normal intelligence and immunodeficiency (NBS). Also called: Nijmegen breakage syndrome; Microcephaly with normal intelligence immunodeficiency and lymphoreticular malignancies; Nonsyndromal microcephaly autosomal recessive with normal intelligence; Seemanova syndrome 2; Immunodeficiency, microcephaly with normal intelligence; Ataxia telangiectasia variant V1. Identifiers: Orphanet 647, MedGen C0398791, MONDO:0009623, OMIM 251260.

Submissions (3):

Labcorp Genetics (formerly Invitae), Labcorp
Classification: Uncertain significance for Microcephaly, normal intelligence and immunodeficiency. Last evaluated: 2022-02-20. Review status: criteria provided, single submitter. Criteria: Invitae Variant Classification Sherloc (09022015). Collection method: clinical testing. Allele origin: germline.
Comment: In summary, the available evidence is currently insufficient to determine the role of this variant in disease. Therefore, it has been classified as a Variant of Uncertain Significance. This sequence change replaces valine, which is neutral and non-polar, with isoleucine, which is neutral and non-polar, at codon 348 of the NBN protein (p.Val348Ile). This variant is not present in population databases (gnomAD no frequency). This variant has not been reported in the literature in individuals affected with NBN-related conditions. ClinVar contains an entry for this variant (Variation ID: 818308). Algorithms developed to predict the effect of missense changes on protein structure and function output the following: SIFT: "Tolerated"; PolyPhen-2: "Benign"; Align-GVGD: "Class C0". The isoleucine amino acid residue is found in multiple mammalian species, which suggests that this missense change does not adversely affect protein function.

Genome-Nilou Lab
Classification: Uncertain significance for Microcephaly, normal intelligence and immunodeficiency. Last evaluated: 2021-11-07. Review status: criteria provided, single submitter. Criteria: ACMG Guidelines, 2015. Collection method: clinical testing. Allele origin: germline. Affected: no.

Ambry Genetics
Classification: Uncertain significance for Hereditary cancer-predisposing syndrome. Last evaluated: 2018-01-26. Review status: criteria provided, single submitter. Criteria: Ambry Variant Classification Scheme 2023. Collection method: clinical testing. Allele origin: germline.
Comment: The p.V348I variant (also known as c.1042G>A), located in coding exon 9 of the NBN gene, results from a G to A substitution at nucleotide position 1042. The valine at codon 348 is replaced by isoleucine, an amino acid with highly similar properties. This amino acid position is not well conserved in available vertebrate species. In addition, this alteration is predicted to be tolerated by in silico analysis. Since supporting evidence is limited at this time, the clinical significance of this alteration remains unclear.